The following is an entry in ClinVar:

ClinVar aggregate classification (germline): Benign/Likely benign. Review status: criteria provided, multiple submitters, no conflicts (2 of 4 stars). 11 submissions from 11 submitters: Benign (8); Likely benign (1). 2 of the submissions do not count toward it. Last evaluated 2026-02-02.

Conditions:
Cardiovascular phenotype. Identifiers: MedGen CN230736.
Isolated Nonsyndromic Congenital Heart Disease.
Alagille syndrome due to a JAG1 point mutation. Also called: HEPATIC DUCTULAR HYPOPLASIA, SYNDROMATIC; Alagille Syndrome 1; JAG1-Related Alagille Syndrome. Identifiers: Orphanet 261619, Orphanet 52, MedGen C1956125, MONDO:0016862, OMIM 118450.

Allele frequency attached by ClinVar (database versions not stated): ExAC 0.02833; gnomAD 0.07991; TOPMed 0.08896; 1000 Genomes Project 0.09485; ESP Exome Variant Server 0.09603; 1000 Genomes Project 30x 0.10025.
gnomAD v4.1: 26,379 of 1,613,512 alleles (1.6%); highest among the groups gnomAD compares: African/African-American, 28%; 3,124 homozygotes.

Submissions (11):

Labcorp Genetics (formerly Invitae), Labcorp
Classification: Benign for Alagille syndrome due to a JAG1 point mutation. Last evaluated: 2026-02-02. Review status: criteria provided, single submitter. Criteria: Invitae Variant Classification Sherloc (09022015). Collection method: clinical testing. Allele origin: germline.

Blueprint Genetics
Classification: Likely benign. Last evaluated: 2024-11-28. Review status: criteria provided, single submitter. Criteria: ACMG Guidelines, 2015. Collection method: clinical testing. Allele origin: germline.

Women's Health and Genetics/Laboratory Corporation of America, LabCorp
Classification: Benign. Last evaluated: 2023-04-10. Review status: criteria provided, single submitter. Criteria: LabCorp Variant Classification Summary - May 2015. Collection method: clinical testing. Allele origin: germline.

Mayo Clinic Laboratories, Mayo Clinic
Classification: Benign. Last evaluated: 2022-10-15. Review status: criteria provided, single submitter. Criteria: ACMG Guidelines, 2015. Collection method: clinical testing. Allele origin: germline. Observed: 111 variant alleles.

Illumina Laboratory Services, Illumina
Classification: Benign for Isolated Nonsyndromic Congenital Heart Disease. Last evaluated: 2018-01-13. Review status: criteria provided, single submitter. Criteria: ICSL Variant Classification Criteria 13 December 2019. Collection method: clinical testing. Allele origin: germline.
Comment: This variant was observed in the ICSL laboratory as part of a predisposition screen in an ostensibly healthy population. It had not been previously curated by ICSL or reported in the Human Gene Mutation Database (HGMD: prior to June 1st, 2018), and was therefore a candidate for classification through an automated scoring system. Utilizing variant allele frequency, disease prevalence and penetrance estimates, and inheritance mode, an automated score was calculated to assess if this variant is too frequent to cause the disease. Based on the score and internal cut-off values, a variant classified as benign is not then subjected to further curation. The score for this variant resulted in a classification of benign for this disease.

Ambry Genetics
Classification: Benign for Cardiovascular phenotype. Last evaluated: 2015-08-04. Review status: criteria provided, single submitter. Criteria: Ambry Variant Classification Scheme 2023. Collection method: clinical testing. Allele origin: germline.

Laboratory for Molecular Medicine, Mass General Brigham Personalized Medicine
Classification: Benign. Last evaluated: 2011-03-09. Review status: criteria provided, single submitter. Criteria: LMM Criteria. Collection method: clinical testing. Allele origin: germline. Observed: 4 variant alleles.

Breakthrough Genomics
Classification: Benign. Review status: criteria provided, single submitter. Criteria: ACMG Guidelines, 2015. Collection method: not provided. Allele origin: germline. Inheritance: Autosomal dominant inheritance. Affected: yes.

PreventionGenetics, part of Exact Sciences
Classification: Benign. Review status: criteria provided, single submitter. Criteria: ACMG Guidelines, 2015. Collection method: clinical testing. Allele origin: germline.

Clinical Genetics DNA and cytogenetics Diagnostics Lab, Erasmus MC, Erasmus Medical Center
Classification: Benign. Review status: no assertion criteria provided. Collection method: clinical testing. Allele origin: germline. Affected: yes. Study: VKGL Data-share Consensus. Not counted in ClinVar's aggregate classification.

Clinical Genetics, Academic Medical Center
Classification: Benign. Review status: no assertion criteria provided. Collection method: clinical testing. Allele origin: germline. Affected: yes. Study: VKGL Data-share Consensus. Not counted in ClinVar's aggregate classification.

Literature cited by the submitters: PubMed 16575836 (cited by Laboratory for Molecular Medicine, Mass General Brigham Personalized Medicine); PubMed 9585603 (cited by Laboratory for Molecular Medicine, Mass General Brigham Personalized Medicine).

NM_000214.3(JAG1):c.2382C>T (p.Ser794=)

Gene: JAG1 (jagged canonical Notch ligand 1; minus strand). Cytogenetic location: 20p12.2.
Variant type: single nucleotide variant.
Coding change: c.2382C>T on transcript NM_000214.3 (MANE Select); coding-DNA position 2382, C replaced by T.
Protein change: p.Ser794=; no amino-acid change (serine 794 retained).
Molecular consequence: synonymous variant.
Genome position (GRCh38, 1-based): chr20:10,643,854, G>A on the plus strand (C>T on the coding strand, the complement: JAG1 is on the minus strand). VCF-style: chr20-10643854-G-A. GRCh37 (hg19) VCF-style: chr20-10624502-G-A.
Other names: p.Ser794=.
Identifiers: ClinVar variation 42474 (VCV000042474.29), dbSNP rs56225585, ClinGen allele CA282305.